The following is an entry in ClinVar:

NM_005101.4(ISG15):c.383G>A (p.Gly128Glu)

Gene: ISG15 (ISG15 ubiquitin like modifier; plus strand). Cytogenetic location: 1p36.33.
Variant type: single nucleotide variant.
Coding change: c.383G>A on transcript NM_005101.4 (MANE Select); coding-DNA position 383, G replaced by A.
Protein change: p.Gly128Glu; replaces glycine 128 with glutamic acid.
Molecular consequence: missense variant.
Genome position (GRCh38, 1-based): chr1:1,014,363, G>A. VCF-style: chr1-1014363-G-A. GRCh37 (hg19) VCF-style: chr1-949743-G-A.
Other names: short protein forms G128E.
Identifiers: ClinVar variation 1021524 (VCV001021524.8), dbSNP rs1355487854, ClinGen allele CA337805456.
Genomic context (GRCh38, chr1:1,014,363, plus strand): 5'-AGCAGCAAGTGAGCGGGCTGGAGGGTGTGCAGGACGACCTGTTCTGGCTGACCTTCGAGG[G>A]GAAGCCCCTGGAGGACCAGCTCCCGCTGGGGGAGTACGGCCTCAAGCCCCTGAGCACCGT-3'
Protein context (NP_005092.1, residues 118-138): QDDLFWLTFE[Gly128Glu]KPLEDQLPLG

ClinVar aggregate classification (germline): Uncertain significance (1 of 4 stars; one submission).

Conditions:
Mendelian susceptibility to mycobacterial diseases due to complete ISG15 deficiency. Also called: Immunodeficiency 38 with basal ganglia calcification; Immunodeficiency 38; IMMUNODEFICIENCY 38, MYCOBACTERIOSIS, AUTOSOMAL RECESSIVE; ISG15 DEFICIENCY, AUTOSOMAL RECESSIVE. Identifiers: Orphanet 319563, MedGen C4015293, MONDO:0014502, OMIM 616126.

Allele frequency attached by ClinVar (database versions not stated): TOPMed below 0.00001.

Submission:

Labcorp Genetics (formerly Invitae), Labcorp
Classification: Uncertain significance for Mendelian susceptibility to mycobacterial diseases due to complete ISG15 deficiency. Last evaluated: 2022-09-01. Review status: criteria provided, single submitter. Criteria: Invitae Variant Classification Sherloc (09022015). Collection method: clinical testing. Allele origin: germline.
Comment: This variant is not present in population databases (gnomAD no frequency). This sequence change replaces glycine, which is neutral and non-polar, with glutamic acid, which is acidic and polar, at codon 128 of the ISG15 protein (p.Gly128Glu). This variant has not been reported in the literature in individuals affected with ISG15-related conditions. In summary, the available evidence is currently insufficient to determine the role of this variant in disease. Therefore, it has been classified as a Variant of Uncertain Significance. Algorithms developed to predict the effect of missense changes on protein structure and function are either unavailable or do not agree on the potential impact of this missense change (SIFT: "Deleterious"; PolyPhen-2: "Probably Damaging"; Align-GVGD: "Class C0"). ClinVar contains an entry for this variant (Variation ID: 1021524).